The following is an entry in ClinVar:

ClinVar aggregate classification (germline): Uncertain significance. Review status: criteria provided, multiple submitters, no conflicts (2 of 4 stars). 4 submissions from 4 submitters: Uncertain significance (3). 1 of the submissions does not count toward it. Last evaluated 2025-03-13.

Conditions:
ELP1-related disorder. Also called: ELP1-related condition.
Familial dysautonomia. Also called: FD; HSAN III. Identifiers: Orphanet 1764, MedGen C0013364, MONDO:0009131, OMIM 223900. Disease mechanism: loss of function.

Allele frequency attached by ClinVar (database versions not stated): gnomAD exomes 0.00001; ExAC 0.00002; TOPMed 0.00003; gnomAD 0.00004; ESP Exome Variant Server 0.00008.
gnomAD v4.1: 15 of 1,613,716 alleles (0.00093%); highest among the groups gnomAD compares: Admixed American, 0.0083%; no homozygotes.

Submissions (4):

PreventionGenetics, part of Exact Sciences
Classification: Uncertain significance for ELP1-related condition. Last evaluated: 2025-03-13. Review status: criteria provided, single submitter. Criteria: ACMG Guidelines, 2015. Collection method: clinical testing. Allele origin: germline.
Comment: The ELP1 c.655C>T variant is predicted to result in the amino acid substitution p.Arg219Trp. To our knowledge, this variant has not been reported in the literature. This variant is reported in 0.0065% of alleles in individuals of South Asian descent in gnomAD. At this time, the clinical significance of this variant is uncertain due to the absence of conclusive functional and genetic evidence.

Labcorp Genetics (formerly Invitae), Labcorp
Classification: Uncertain significance. Last evaluated: 2022-07-29. Review status: criteria provided, single submitter. Criteria: Invitae Variant Classification Sherloc (09022015). Collection method: clinical testing. Allele origin: germline.
Comment: This sequence change replaces arginine, which is basic and polar, with tryptophan, which is neutral and slightly polar, at codon 219 of the ELP1 protein (p.Arg219Trp). This variant is present in population databases (rs374238430, gnomAD 0.007%). This variant has not been reported in the literature in individuals affected with ELP1-related conditions. ClinVar contains an entry for this variant (Variation ID: 990667). Algorithms developed to predict the effect of missense changes on protein structure and function are either unavailable or do not agree on the potential impact of this missense change (SIFT: "Deleterious"; PolyPhen-2: "Possibly Damaging"; Align-GVGD: "Class C0"). In summary, the available evidence is currently insufficient to determine the role of this variant in disease. Therefore, it has been classified as a Variant of Uncertain Significance.

Ambry Genetics
Classification: Uncertain significance. Last evaluated: 2021-04-20. Review status: criteria provided, single submitter. Criteria: Ambry Variant Classification Scheme 2023. Collection method: clinical testing. Allele origin: germline.
Comment: The p.R219W variant (also known as c.655C>T), located in coding exon 7 of the IKBKAP gene, results from a C to T substitution at nucleotide position 655. The arginine at codon 219 is replaced by tryptophan, an amino acid with dissimilar properties. This amino acid position is highly conserved in available vertebrate species. In addition, this alteration is predicted to be deleterious by in silico analysis. Since supporting evidence is limited at this time, the clinical significance of this alteration remains unclear.

Natera, Inc.
Classification: Uncertain significance for Familial dysautonomia. Last evaluated: 2020-08-10. Review status: no assertion criteria provided. Collection method: clinical testing. Allele origin: germline. Not counted in ClinVar's aggregate classification.

NM_003640.5(ELP1):c.655C>T (p.Arg219Trp)

Gene: ELP1 (elongator acetyltransferase complex subunit 1; minus strand). Cytogenetic location: 9q31.3.
Variant type: single nucleotide variant.
Coding change: c.655C>T on transcript NM_003640.5 (MANE Select); coding-DNA position 655, C replaced by T.
Protein change: p.Arg219Trp; replaces arginine 219 with tryptophan.
Molecular consequence: missense variant. On other transcripts: intron variant (1).
Genome position (GRCh38, 1-based): chr9:108,918,896, G>A on the plus strand (C>T on the coding strand, the complement: ELP1 is on the minus strand). VCF-style: chr9-108918896-G-A. GRCh37 (hg19) VCF-style: chr9-111681176-G-A.
Other names: c.313C>T, p.Arg105Trp (NM_001318360.2); c.-307-1226C>T (NM_001330749.2); c.655C>T (NM_003640.4, NM_003640.3); short protein forms R105W, R219W.
Identifiers: ClinVar variation 990667 (VCV000990667.6), dbSNP rs374238430, ClinGen allele CA5175271.